The following is an entry in ClinVar:

ClinVar aggregate classification (germline): Uncertain significance (1 of 4 stars; one submission).

Submission:

GeneDx
Classification: Uncertain significance. Last evaluated: 2023-03-22. Review status: criteria provided, single submitter. Criteria: GeneDx Variant Classification Process June 2021. Collection method: clinical testing. Allele origin: germline. Affected: yes.
Comment: Has not been previously published as pathogenic or benign to our knowledge; Not observed at significant frequency in large population cohorts (gnomAD); In silico analysis supports a deleterious effect on protein structure/function

NM_000257.4(MYH7):c.5611_5612delinsGG (p.Leu1871Gly)

Gene: MYH7 (myosin heavy chain 7; minus strand). Cytogenetic location: 14q11.2.
Variant type: Indel.
Coding change: c.5611_5612delinsGG on transcript NM_000257.4 (MANE Select); coding-DNA positions 5611 to 5612, CT replaced by GG.
Protein change: p.Leu1871Gly; replaces leucine 1871 with glycine.
Molecular consequence: missense variant.
Genome position (GRCh38, 1-based): chr14:23,414,050-23,414,051, AG replaced by CC on the plus strand (CT replaced by GG on the coding strand, the reverse complement: MYH7 is on the minus strand). VCF-style: chr14-23414050-AG-CC. GRCh37 (hg19) VCF-style: chr14-23883259-AG-CC.
Other names: c.5611_5612delCTinsGG, p.Leu1871Gly (NM_000257.2); c.5611_5612delinsGG, p.Leu1871Gly (NM_001407004.1); short protein forms L1871G.
Identifiers: ClinVar variation 2580483 (VCV002580483.1), dbSNP rs2502234482, ClinGen allele CA2580618162.